The following is an entry in ClinVar:

NM_133259.4(LRPPRC):c.1574T>G (p.Leu525Ter)

Gene: LRPPRC (leucine rich pentatricopeptide repeat containing; minus strand). Cytogenetic location: 2p21.
Variant type: single nucleotide variant.
Coding change: c.1574T>G on transcript NM_133259.4 (MANE Select); coding-DNA position 1574, T replaced by G.
Protein change: p.Leu525Ter; replaces leucine 525 with a stop codon.
Molecular consequence: nonsense.
Genome position (GRCh38, 1-based): chr2:43,960,549, A>C on the plus strand (T>G on the coding strand, the complement: LRPPRC is on the minus strand). VCF-style: chr2-43960549-A-C. GRCh37 (hg19) VCF-style: chr2-44187688-A-C.
Other names: short protein forms L525*.
Identifiers: ClinVar variation 1725932 (VCV001725932.2), dbSNP rs1181950299, ClinGen allele CA346678677.

ClinVar aggregate classification (germline): Likely pathogenic (1 of 4 stars; one submission).

Conditions:
Congenital lactic acidosis, Saguenay-Lac-Saint-Jean type (MC4DN5). Also called: CYTOCHROME c OXIDASE DEFICIENCY, FRENCH CANADIAN TYPE; COX DEFICIENCY, FRENCH CANADIAN TYPE; MITOCHONDRIAL COMPLEX IV DEFICIENCY, NUCLEAR TYPE 5. Identifiers: Orphanet 70472, MedGen C1857355, MONDO:0009069, OMIM 220111.

Submission:

Myriad Genetics, Inc.
Classification: Likely pathogenic for Congenital lactic acidosis, Saguenay-Lac-Saint-Jean type. Last evaluated: 2022-04-16. Review status: criteria provided, single submitter. Criteria: Myriad Women's Health Autosomal Recessive and X-Linked Classification Criteria (2021). Collection method: clinical testing. Allele origin: unknown.
Comment: NM_133259.3(LRPPRC):c.1574T>G(L525*) is expected to be pathogenic in the context of Leigh syndrome, French-Canadian type. This variant is predicted to lead to an abnormal or absent protein product due to the creation of a premature termination codon in LRPPRC, a gene where loss-of-function variants are known to be pathogenic. Please note: this variant was assessed in the context of healthy population screening.